The following is an entry in ClinVar:

ClinVar aggregate classification (germline): Uncertain significance. Review status: criteria provided, multiple submitters, no conflicts (2 of 4 stars). 3 submissions from 3 submitters: Uncertain significance (3). Last evaluated 2024-10-31.

Allele frequency attached by ClinVar (database versions not stated): gnomAD exomes 0.00006; ESP Exome Variant Server 0.00008; TOPMed 0.00008; ExAC 0.00013; gnomAD 0.00013.
gnomAD v4.1: 198 of 1,504,902 alleles (0.013%); highest among the groups gnomAD compares: Non-Finnish European, 0.016%; no homozygotes.

Submissions (3):

Blueprint Genetics
Classification: Uncertain significance. Last evaluated: 2024-10-31. Review status: criteria provided, single submitter. Criteria: ACMG Guidelines, 2015. Collection method: clinical testing. Allele origin: germline.

Ambry Genetics
Classification: Uncertain significance. Last evaluated: 2023-12-09. Review status: criteria provided, single submitter. Criteria: Ambry Variant Classification Scheme 2023. Collection method: clinical testing. Allele origin: germline.

Labcorp Genetics (formerly Invitae), Labcorp
Classification: Uncertain significance. Last evaluated: 2022-11-08. Review status: criteria provided, single submitter. Criteria: Invitae Variant Classification Sherloc (09022015). Collection method: clinical testing. Allele origin: germline.
Comment: This variant has not been reported in the literature in individuals affected with EPS8L2-related conditions. This variant is present in population databases (rs369270282, gnomAD 0.01%). This sequence change replaces arginine, which is basic and polar, with glutamine, which is neutral and polar, at codon 193 of the EPS8L2 protein (p.Arg193Gln). ClinVar contains an entry for this variant (Variation ID: 1409839). In summary, the available evidence is currently insufficient to determine the role of this variant in disease. Therefore, it has been classified as a Variant of Uncertain Significance. Algorithms developed to predict the effect of missense changes on protein structure and function output the following: SIFT: "Tolerated"; PolyPhen-2: "Benign"; Align-GVGD: "Class C0". The glutamine amino acid residue is found in multiple mammalian species, which suggests that this missense change does not adversely affect protein function.

NM_022772.4(EPS8L2):c.578G>A (p.Arg193Gln)

Gene: EPS8L2 (EPS8 signaling adaptor L2; plus strand). Cytogenetic location: 11p15.5.
Variant type: single nucleotide variant.
Coding change: c.578G>A on transcript NM_022772.4 (MANE Select); coding-DNA position 578, G replaced by A.
Protein change: p.Arg193Gln; replaces arginine 193 with glutamine.
Molecular consequence: missense variant.
Genome position (GRCh38, 1-based): chr11:721,084, G>A. VCF-style: chr11-721084-G-A. GRCh37 (hg19) VCF-style: chr11-721084-G-A.
Other names: c.578G>A (NM_022772.3); short protein forms R193Q.
Identifiers: ClinVar variation 1409839 (VCV001409839.10), dbSNP rs369270282, ClinGen allele CA5787218.